The following is an entry in ClinVar:

ClinVar aggregate classification (germline): Uncertain significance (1 of 4 stars; one submission).

Conditions:
Neonatal-onset encephalopathy with rigidity and seizures. Also called: Lethal neonatal spasticity-epileptic encephalopathy syndrome. Identifiers: Orphanet 435845, MedGen C3281029, MONDO:0013784, OMIM 614498.

Allele frequency attached by ClinVar (database versions not stated): TOPMed 0.00001; ESP Exome Variant Server 0.00008.
gnomAD v4.1: 9 of 1,604,968 alleles (0.00056%); highest among the groups gnomAD compares: East Asian, 0.0022%; no homozygotes.

Submission:

Labcorp Genetics (formerly Invitae), Labcorp
Classification: Uncertain significance for Neonatal-onset encephalopathy with rigidity and seizures. Last evaluated: 2022-07-18. Review status: criteria provided, single submitter. Criteria: Invitae Variant Classification Sherloc (09022015). Collection method: clinical testing. Allele origin: germline.
Comment: This sequence change replaces glutamic acid, which is acidic and polar, with lysine, which is basic and polar, at codon 306 of the BRAT1 protein (p.Glu306Lys). The frequency data for this variant in the population databases is considered unreliable, as metrics indicate poor data quality at this position in the gnomAD database. This variant has not been reported in the literature in individuals affected with BRAT1-related conditions. ClinVar contains an entry for this variant (Variation ID: 573850). Algorithms developed to predict the effect of missense changes on protein structure and function output the following: SIFT: "Tolerated"; PolyPhen-2: "Benign"; Align-GVGD: "Class C0". The lysine amino acid residue is found in multiple mammalian species, which suggests that this missense change does not adversely affect protein function. In summary, the available evidence is currently insufficient to determine the role of this variant in disease. Therefore, it has been classified as a Variant of Uncertain Significance.

NM_152743.4(BRAT1):c.916G>A (p.Glu306Lys)

Gene: BRAT1 (BRCA1 associated ATM activator 1; minus strand). Cytogenetic location: 7p22.3.
Variant type: single nucleotide variant.
Coding change: c.916G>A on transcript NM_152743.4 (MANE Select); coding-DNA position 916, G replaced by A.
Protein change: p.Glu306Lys; replaces glutamic acid 306 with lysine.
Molecular consequence: missense variant. On other transcripts: non-coding transcript variant (1).
Genome position (GRCh38, 1-based): chr7:2,543,211, C>T on the plus strand (G>A on the coding strand, the complement: BRAT1 is on the minus strand). VCF-style: chr7-2543211-C-T. GRCh37 (hg19) VCF-style: chr7-2582845-C-T.
Other names: c.916G>A, p.Glu306Lys (NM_001350626.2); c.391G>A, p.Glu131Lys (NM_001350627.2); short protein forms E306K, E131K.
Identifiers: ClinVar variation 573850 (VCV000573850.6), dbSNP rs367771169, ClinGen allele CA152671031.